The following is an entry in ClinVar:

ClinVar aggregate classification (germline): Uncertain significance. Review status: criteria provided, multiple submitters, no conflicts (2 of 4 stars). 2 submissions from 2 submitters: Uncertain significance (2). Last evaluated 2025-10-08.

Conditions:
Bone mineral density quantitative trait locus 1 (BMND1). Identifiers: MedGen C1866079, OMIM 601884.
Worth disease. Also called: ENDOSTEAL HYPEROSTOSIS, AUTOSOMAL DOMINANT; OSTEOSCLEROSIS, AUTOSOMAL DOMINANT; Autosomal dominant osteosclerosis, Worth type. Identifiers: Orphanet 2790, MedGen C0432273, MONDO:0007764, OMIM 144750.
Exudative vitreoretinopathy 4 (EVR4). Identifiers: Orphanet 891, MedGen C1866176, MONDO:0011151, OMIM 601813.
Polycystic liver disease 4 with or without kidney cysts. Identifiers: MedGen C4693479, MONDO:0044327, OMIM 617875.
Autosomal dominant osteopetrosis 1 (OPTA1). Also called: OSTEOPETROSIS, AUTOSOMAL DOMINANT, TYPE I. Identifiers: Orphanet 2783, MedGen C1843330, MONDO:0011877, OMIM 607634.
Osteoporosis with pseudoglioma (OPPG). Also called: osteoporosis-pseudoglioma syndrome. Identifiers: Orphanet 2788, MedGen C0432252, MONDO:0009820, OMIM 259770.

Allele frequency attached by ClinVar (database versions not stated): gnomAD exomes 0.00003 and 0.00006; TOPMed 0.00003; ExAC 0.00004; gnomAD 0.00007; ESP Exome Variant Server 0.00015; 1000 Genomes Project 30x 0.00016; 1000 Genomes Project 0.00020.
gnomAD v4.1: 51 of 1,608,302 alleles (0.0032%); highest among the groups gnomAD compares: African/African-American, 0.0053%; 1 homozygote.

Submissions (2):

Labcorp Genetics (formerly Invitae), Labcorp
Classification: Uncertain significance. Last evaluated: 2025-10-08. Review status: criteria provided, single submitter. Criteria: Invitae Variant Classification Sherloc (09022015). Collection method: clinical testing. Allele origin: germline.
Comment: This sequence change replaces arginine, which is basic and polar, with cysteine, which is neutral and slightly polar, at codon 925 of the LRP5 protein (p.Arg925Cys). This variant is present in population databases (rs369471051, gnomAD 0.04%). This missense change has been observed in individual(s) with osteoporosis (PMID: 19673927, 31980526). ClinVar contains an entry for this variant (Variation ID: 1052277). Invitae Evidence Modeling of protein sequence and biophysical properties (such as structural, functional, and spatial information, amino acid conservation, physicochemical variation, residue mobility, and thermodynamic stability) indicates that this missense variant is not expected to disrupt LRP5 protein function with a negative predictive value of 95%. Experimental studies have shown that this missense change does not substantially affect LRP5 function (PMID: 19673927). In summary, the available evidence is currently insufficient to determine the role of this variant in disease. Therefore, it has been classified as a Variant of Uncertain Significance.

Fulgent Genetics
Classification: Uncertain significance for Worth disease; Osteoporosis with pseudoglioma; Exudative vitreoretinopathy 4; Bone mineral density quantitative trait locus 1; Autosomal dominant osteopetrosis 1; Polycystic liver disease 4 with or without kidney cysts. Last evaluated: 2024-04-22. Review status: criteria provided, single submitter. Criteria: ACMG Guidelines, 2015. Collection method: clinical testing. Allele origin: germline.

Literature cited by the submitters: PubMed 19673927 (cited by Labcorp Genetics (formerly Invitae), Labcorp); PubMed 31980526 (cited by Labcorp Genetics (formerly Invitae), Labcorp).

NM_002335.4(LRP5):c.2773C>T (p.Arg925Cys)

Gene: LRP5 (LDL receptor related protein 5; plus strand). Cytogenetic location: 11q13.2.
Variant type: single nucleotide variant.
Coding change: c.2773C>T on transcript NM_002335.4 (MANE Select); coding-DNA position 2773, C replaced by T.
Protein change: p.Arg925Cys; replaces arginine 925 with cysteine.
Molecular consequence: missense variant.
Genome position (GRCh38, 1-based): chr11:68,413,958, C>T. VCF-style: chr11-68413958-C-T. GRCh37 (hg19) VCF-style: chr11-68181426-C-T.
Other names: c.1030C>T, p.Arg344Cys (NM_001291902.2); short protein forms R344C, R925C.
Identifiers: ClinVar variation 1052277 (VCV001052277.8), dbSNP rs369471051, ClinGen allele CA6149731.